The following is an entry in ClinVar:

ClinVar aggregate classification (germline): Uncertain significance (1 of 4 stars; one submission).

Conditions:
Episodic kinesigenic dyskinesia (EKD). Also called: Paroxysmal kinesigenic dyskinesia. Identifiers: Orphanet 98809, MedGen C1868682, MONDO:0044202.

Allele frequency attached by ClinVar (database versions not stated): gnomAD exomes below 0.00001; TOPMed 0.00001.
gnomAD v4.1: 4 of 1,613,970 alleles (0.00025%); highest among the groups gnomAD compares: East Asian, 0.0067%; no homozygotes.

Submission:

Labcorp Genetics (formerly Invitae), Labcorp
Classification: Uncertain significance for Episodic kinesigenic dyskinesia. Last evaluated: 2024-05-16. Review status: criteria provided, single submitter. Criteria: Invitae Variant Classification Sherloc (09022015). Collection method: clinical testing. Allele origin: germline.
Comment: This sequence change replaces glycine, which is neutral and non-polar, with aspartic acid, which is acidic and polar, at codon 22 of the PRRT2 protein (p.Gly22Asp). This variant is not present in population databases (gnomAD no frequency). This variant has not been reported in the literature in individuals affected with PRRT2-related conditions. Advanced modeling of protein sequence and biophysical properties (such as structural, functional, and spatial information, amino acid conservation, physicochemical variation, residue mobility, and thermodynamic stability) performed at Invitae indicates that this missense variant is not expected to disrupt PRRT2 protein function with a negative predictive value of 95%. In summary, the available evidence is currently insufficient to determine the role of this variant in disease. Therefore, it has been classified as a Variant of Uncertain Significance.

NM_145239.3(PRRT2):c.65G>A (p.Gly22Asp)

Genes: MVP-DT (MVP divergent transcript; minus strand), PRRT2 (proline rich transmembrane protein 2; plus strand). Cytogenetic location: 16p11.2.
Variant type: single nucleotide variant.
Coding change: c.65G>A on transcript NM_145239.3 (MANE Select); coding-DNA position 65, G replaced by A.
Protein change: p.Gly22Asp; replaces glycine 22 with aspartic acid.
Molecular consequence: missense variant.
Genome position (GRCh38, 1-based): chr16:29,813,119, G>A. VCF-style: chr16-29813119-G-A. GRCh37 (hg19) VCF-style: chr16-29824440-G-A.
Other names: c.65G>A, p.Gly22Asp (NM_001256442.2, NM_001256443.2); short protein forms G22D.
Identifiers: ClinVar variation 2987123 (VCV002987123.3), dbSNP rs1385761586, ClinGen allele CA395477137.